The following is an entry in ClinVar:

ClinVar aggregate classification (germline): Uncertain significance (1 of 4 stars; one submission).

Conditions:
Facioscapulohumeral muscular dystrophy 2 (FSHD2). Also called: MUSCULAR DYSTROPHY, FACIOSCAPULOHUMERAL, TYPE 1B; FACIOSCAPULOHUMERAL MUSCULAR DYSTROPHY 2, DIGENIC; FSHD2, DIGENIC. Identifiers: Orphanet 269, MedGen C1834671, MONDO:0008031, OMIM 158901.

gnomAD v4.1: 4 of 1,570,808 alleles (0.00025%); highest among the groups gnomAD compares: Non-Finnish European, 0.00035%; no homozygotes.

Submission:

Labcorp Genetics (formerly Invitae), Labcorp
Classification: Uncertain significance for Facioscapulohumeral muscular dystrophy 2. Last evaluated: 2023-03-14. Review status: criteria provided, single submitter. Criteria: Invitae Variant Classification Sherloc (09022015). Collection method: clinical testing. Allele origin: germline.
Comment: In summary, the available evidence is currently insufficient to determine the role of this variant in disease. Therefore, it has been classified as a Variant of Uncertain Significance. Advanced modeling of protein sequence and biophysical properties (such as structural, functional, and spatial information, amino acid conservation, physicochemical variation, residue mobility, and thermodynamic stability) performed at Invitae indicates that this missense variant is not expected to disrupt SMCHD1 protein function. This variant has not been reported in the literature in individuals affected with SMCHD1-related conditions. This variant is not present in population databases (gnomAD no frequency). This sequence change replaces glutamine, which is neutral and polar, with histidine, which is basic and polar, at codon 1316 of the SMCHD1 protein (p.Gln1316His).

NM_015295.3(SMCHD1):c.3948G>T (p.Gln1316His)

Gene: SMCHD1 (structural maintenance of chromosomes flexible hinge domain containing 1; plus strand). Cytogenetic location: 18p11.32.
Variant type: single nucleotide variant.
Coding change: c.3948G>T on transcript NM_015295.3 (MANE Select); coding-DNA position 3948, G replaced by T.
Protein change: p.Gln1316His; replaces glutamine 1316 with histidine.
Molecular consequence: missense variant.
Genome position (GRCh38, 1-based): chr18:2,750,063, G>T. VCF-style: chr18-2750063-G-T. GRCh37 (hg19) VCF-style: chr18-2750061-G-T.
Other names: short protein forms Q1316H.
Identifiers: ClinVar variation 2882208 (VCV002882208.3), dbSNP rs776456103, ClinGen allele CA401691410.